The following is an entry in ClinVar:

NM_001042492.3(NF1):c.5189C>G (p.Thr1730Ser)

Gene: NF1 (neurofibromin 1; plus strand). Cytogenetic location: 17q11.2.
Variant type: single nucleotide variant.
Coding change: c.5189C>G on transcript NM_001042492.3 (MANE Select); coding-DNA position 5189, C replaced by G.
Protein change: p.Thr1730Ser; replaces threonine 1730 with serine.
Molecular consequence: missense variant.
Genome position (GRCh38, 1-based): chr17:31,326,173, C>G. VCF-style: chr17-31326173-C-G. GRCh37 (hg19) VCF-style: chr17-29653191-C-G.
Other names: c.5126C>G, p.Thr1709Ser (NM_000267.4); short protein forms T1709S, T1730S.
Identifiers: ClinVar variation 230762 (VCV000230762.13), dbSNP rs772831692, ClinGen allele CA10580341.

ClinVar aggregate classification (germline): Uncertain significance. Review status: criteria provided, multiple submitters, no conflicts (2 of 4 stars). 5 submissions from 4 submitters: Uncertain significance (5). Last evaluated 2025-05-06.

Conditions:
Hereditary cancer-predisposing syndrome. Also called: Hereditary Cancer Syndrome; Neoplastic Syndromes, Hereditary; Tumor predisposition; Hereditary neoplastic syndrome. Identifiers: Orphanet 140162, MedGen C0027672, MeSH D009386, MONDO:0015356.
Cardiovascular phenotype. Identifiers: MedGen CN230736.
Neurofibromatosis, type 1 (NF1). Also called: Neurofibromatosis, type I; VON RECKLINGHAUSEN DISEASE; NEUROFIBROMATOSIS, TYPE I, SOMATIC; Peripheral type neurofibromatosis. Identifiers: Orphanet 636, MedGen C0027831, MONDO:0018975, OMIM 162200. Disease mechanism: loss of function.

Submissions (5):

Labcorp Genetics (formerly Invitae), Labcorp
Classification: Uncertain significance for Neurofibromatosis, type 1. Last evaluated: 2025-05-06. Review status: criteria provided, single submitter. Criteria: Invitae Variant Classification Sherloc (09022015). Collection method: clinical testing. Allele origin: germline.
Comment: This sequence change replaces threonine, which is neutral and polar, with serine, which is neutral and polar, at codon 1709 of the NF1 protein (p.Thr1709Ser). This variant is not present in population databases (gnomAD no frequency). This variant has not been reported in the literature in individuals affected with NF1-related conditions. ClinVar contains an entry for this variant (Variation ID: 230762). Invitae Evidence Modeling of protein sequence and biophysical properties (such as structural, functional, and spatial information, amino acid conservation, physicochemical variation, residue mobility, and thermodynamic stability) indicates that this missense variant is expected to disrupt NF1 protein function with a positive predictive value of 95%. This variant disrupts the p.Thr1709 amino acid residue in NF1. Other variant(s) that disrupt this residue have been determined to be pathogenic (PMID: 35240321). This suggests that this residue is clinically significant, and that variants that disrupt this residue are likely to be disease-causing. In summary, the available evidence is currently insufficient to determine the role of this variant in disease. Therefore, it has been classified as a Variant of Uncertain Significance.

GeneDx
Classification: Uncertain significance. Last evaluated: 2024-10-08. Review status: criteria provided, single submitter. Criteria: GeneDx Variant Classification Process June 2021. Collection method: clinical testing. Allele origin: germline. Affected: yes.
Comment: Not observed at significant frequency in large population cohorts (gnomAD); In silico analysis supports that this missense variant has a deleterious effect on protein structure/function; Has not been previously published as pathogenic or benign to our knowledge; This variant is associated with the following publications: (PMID: 35240321)

Genome-Nilou Lab
Classification: Uncertain significance for Neurofibromatosis, type 1. Last evaluated: 2022-03-15. Review status: criteria provided, single submitter. Criteria: ACMG Guidelines, 2015. Collection method: clinical testing. Allele origin: germline. Affected: no.

Ambry Genetics
Classification: Uncertain significance for Cardiovascular phenotype; Hereditary cancer-predisposing syndrome. Last evaluated: 2020-11-13. Review status: criteria provided, single submitter. Criteria: Ambry Variant Classification Scheme 2023. Collection method: clinical testing. Allele origin: germline.

Ambry Genetics
Classification: Uncertain significance for Hereditary cancer-predisposing syndrome. Last evaluated: 2015-03-11. Review status: criteria provided, single submitter. Criteria: Ambry Autosomal Dominant and X-Linked criteria (10/2015). Collection method: clinical testing. Allele origin: germline. Observed: 1 variant allele.
Comment: The p.T1730S variant (also known as c.5189C>G), located in coding exon 37 of the NF1 gene, results from a C to G substitution at nucleotide position 5189. The threonine at codon 1730 is replaced by serine, an amino acid with similar properties. This variant was not reported in population based cohorts in the following databases: Database of Single Nucleotide Polymorphisms (dbSNP), NHLBI Exome Sequencing Project (ESP), and 1000 Genomes Project. In the ESP, this variant was not observed in 6503 samples (13006 alleles) with coverage at this position. To date, this alteration has been detected with an allele frequency of approximately 0.003% (greater than 30,000 alleles tested) in our clinical cohort. This amino acid position is highly conserved in available vertebrate species. In addition, this alteration is predicted to be probably damaging and deleterious by PolyPhen and SIFT in silico analyses, respectively. Since supporting evidence is limited at this time, the clinical significance of p.T1730S remains unclear.

Literature cited by the submitters: PubMed 35240321 (cited by Labcorp Genetics (formerly Invitae), Labcorp).